The following is an entry in ClinVar:

NM_080473.5(GATA5):c.712C>T (p.Arg238Cys)

Gene: GATA5 (GATA binding protein 5; minus strand). Cytogenetic location: 20q13.33.
Variant type: single nucleotide variant.
Coding change: c.712C>T on transcript NM_080473.5 (MANE Select); coding-DNA position 712, C replaced by T.
Protein change: p.Arg238Cys; replaces arginine 238 with cysteine.
Molecular consequence: missense variant.
Genome position (GRCh38, 1-based): chr20:62,466,539, G>A on the plus strand (C>T on the coding strand, the complement: GATA5 is on the minus strand). VCF-style: chr20-62466539-G-A. GRCh37 (hg19) VCF-style: chr20-61041595-G-A.
Other names: short protein forms R238C.
Identifiers: ClinVar variation 426358 (VCV000426358.7), dbSNP rs1085307586, ClinGen allele CA409554058.

ClinVar aggregate classification (germline): Uncertain significance. Review status: criteria provided, multiple submitters, no conflicts (2 of 4 stars). 2 submissions from 2 submitters: Uncertain significance (2). Last evaluated 2025-11-05.

Allele frequency attached by ClinVar (database versions not stated): TOPMed 0.00001.
gnomAD v4.1: 10 of 1,552,364 alleles (0.00064%); highest among the groups gnomAD compares: South Asian, 0.0059%; no homozygotes.

Submissions (2):

Labcorp Genetics (formerly Invitae), Labcorp
Classification: Uncertain significance. Last evaluated: 2025-11-05. Review status: criteria provided, single submitter. Criteria: Invitae Variant Classification Sherloc (09022015). Collection method: clinical testing. Allele origin: germline.
Comment: This sequence change replaces arginine, which is basic and polar, with cysteine, which is neutral and slightly polar, at codon 238 of the GATA5 protein (p.Arg238Cys). The frequency data for this variant in the population databases is considered unreliable, as metrics indicate poor data quality at this position in the gnomAD database. This variant has not been reported in the literature in individuals affected with GATA5-related conditions. ClinVar contains an entry for this variant (Variation ID: 426358). Invitae Evidence Modeling of protein sequence and biophysical properties (such as structural, functional, and spatial information, amino acid conservation, physicochemical variation, residue mobility, and thermodynamic stability) indicates that this missense variant is expected to disrupt GATA5 protein function with a positive predictive value of 80%. In summary, the available evidence is currently insufficient to determine the role of this variant in disease. Therefore, it has been classified as a Variant of Uncertain Significance.

GeneDx
Classification: Uncertain significance. Last evaluated: 2019-05-16. Review status: criteria provided, single submitter. Criteria: GeneDx Variant Classification Process June 2021. Collection method: clinical testing. Allele origin: germline. Affected: yes.
Comment: Not observed at a significant frequency in large population cohorts (Lek et al., 2016); In silico analysis, which includes protein predictors and evolutionary conservation, supports a deleterious effect; Has not been previously published as pathogenic or benign to our knowledge